The following is an entry in ClinVar:

ClinVar aggregate classification (germline): Uncertain significance. Review status: criteria provided, multiple submitters, no conflicts (2 of 4 stars). 2 submissions from 2 submitters: Uncertain significance (2). Last evaluated 2026-03-05.

Conditions:
Autosomal dominant spastic paraplegia type 9. Identifiers: MedGen C1832669, MONDO:0015091.
de Barsy syndrome. Also called: Cutis laxa-corneal clouding-oligophrenia syndrome. Identifiers: Orphanet 2962, MedGen C0268354, MONDO:0017569.
Cutis laxa, autosomal dominant 3 (ADCL3). Identifiers: Orphanet 90348, MedGen C4225268, MONDO:0014706, OMIM 616603.

Allele frequency attached by ClinVar (database versions not stated): gnomAD 0.00001; gnomAD exomes 0.00001; TOPMed 0.00001.
gnomAD v4.1: 12 of 1,614,084 alleles (0.00074%); highest among the groups gnomAD compares: Non-Finnish European, 0.001%; no homozygotes.

Submissions (2):

GeneDx
Classification: Uncertain significance. Last evaluated: 2026-03-05. Review status: criteria provided, single submitter. Criteria: GeneDx Variant Classification Process June 2021. Collection method: clinical testing. Allele origin: germline.
Comment: Has not been previously published as pathogenic or benign to our knowledge; In silico analysis supports that this missense variant has a deleterious effect on protein structure/function

Labcorp Genetics (formerly Invitae), Labcorp
Classification: Uncertain significance for Autosomal dominant spastic paraplegia type 9; de Barsy syndrome; Cutis laxa, autosomal dominant 3. Last evaluated: 2025-11-08. Review status: criteria provided, single submitter. Criteria: Invitae Variant Classification Sherloc (09022015). Collection method: clinical testing. Allele origin: germline.
Comment: This sequence change replaces threonine, which is neutral and polar, with isoleucine, which is neutral and non-polar, at codon 760 of the ALDH18A1 protein (p.Thr760Ile). This variant is present in population databases (no rsID available, gnomAD 0.0009%). This variant has not been reported in the literature in individuals affected with ALDH18A1-related conditions. ClinVar contains an entry for this variant (Variation ID: 2923871). Invitae Evidence Modeling of protein sequence and biophysical properties (such as structural, functional, and spatial information, amino acid conservation, physicochemical variation, residue mobility, and thermodynamic stability) indicates that this missense variant is expected to disrupt ALDH18A1 protein function with a positive predictive value of 80%. In summary, the available evidence is currently insufficient to determine the role of this variant in disease. Therefore, it has been classified as a Variant of Uncertain Significance.

NM_002860.4(ALDH18A1):c.2279C>T (p.Thr760Ile)

Gene: ALDH18A1 (aldehyde dehydrogenase 18 family member A1; minus strand). Cytogenetic location: 10q24.1.
Variant type: single nucleotide variant.
Coding change: c.2279C>T on transcript NM_002860.4 (MANE Select); coding-DNA position 2279, C replaced by T.
Protein change: p.Thr760Ile; replaces threonine 760 with isoleucine.
Molecular consequence: missense variant.
Genome position (GRCh38, 1-based): chr10:95,606,871, G>A on the plus strand (C>T on the coding strand, the complement: ALDH18A1 is on the minus strand). VCF-style: chr10-95606871-G-A. GRCh37 (hg19) VCF-style: chr10-97366628-G-A.
Other names: c.2273C>T, p.Thr758Ile (NM_001017423.2, NM_001323415.2); c.1946C>T, p.Thr649Ile (NM_001323412.2, NM_001323416.2); c.2279C>T, p.Thr760Ile (NM_001323413.2, NM_001323414.2); c.2174C>T, p.Thr725Ile (NM_001323417.2); c.1940C>T, p.Thr647Ile (NM_001323418.2); c.1643C>T, p.Thr548Ile (NM_001323419.2); c.2279C>T (NM_002860.3); short protein forms T548I, T758I, T647I, T649I, T725I, T760I.
Identifiers: ClinVar variation 2923871 (VCV002923871.4), dbSNP rs1182377051, ClinGen allele CA377699025.